The following is an entry in ClinVar:

ClinVar aggregate classification (germline): Uncertain significance (1 of 4 stars; one submission).

Allele frequency attached by ClinVar (database versions not stated): gnomAD 0.00001; gnomAD exomes 0.00001; TOPMed 0.00001.
gnomAD v4.1: 12 of 1,595,698 alleles (0.00075%); highest among the groups gnomAD compares: Non-Finnish European, 0.001%; no homozygotes.

Submission:

Labcorp Genetics (formerly Invitae), Labcorp
Classification: Uncertain significance. Last evaluated: 2022-06-14. Review status: criteria provided, single submitter. Criteria: Invitae Variant Classification Sherloc (09022015). Collection method: clinical testing. Allele origin: germline.
Comment: In summary, the available evidence is currently insufficient to determine the role of this variant in disease. Therefore, it has been classified as a Variant of Uncertain Significance. Variants that disrupt the consensus splice site are a relatively common cause of aberrant splicing (PMID: 17576681, 9536098). Algorithms developed to predict the effect of sequence changes on RNA splicing suggest that this variant is not likely to affect RNA splicing. This variant has not been reported in the literature in individuals affected with PROM1-related conditions. This variant is present in population databases (no rsID available, gnomAD 0.002%). This sequence change falls in intron 13 of the PROM1 gene. It does not directly change the encoded amino acid sequence of the PROM1 protein. It affects a nucleotide within the consensus splice site.

Literature cited by the submitters: PubMed 17576681; PubMed 9536098.

NM_006017.3(PROM1):c.1579-3T>C

Gene: PROM1 (prominin 1; minus strand). Cytogenetic location: 4p15.32.
Variant type: single nucleotide variant.
Coding change: c.1579-3T>C on transcript NM_006017.3 (MANE Select); 3 bases into the intron before coding-DNA position 1579, T replaced by C.
Molecular consequence: intron variant.
Genome position (GRCh38, 1-based): chr4:15,998,491, A>G on the plus strand (T>C on the coding strand, the complement: PROM1 is on the minus strand). VCF-style: chr4-15998491-A-G. GRCh37 (hg19) VCF-style: chr4-16000114-A-G.
Other names: c.1552-3T>C (NM_001145848.2, NM_001145852.2, NM_001145847.2 and 4 more transcripts); c.1579-3T>C (NM_001145850.2, NM_001145849.2).
Identifiers: ClinVar variation 1945052 (VCV001945052.5), dbSNP rs1355865032, ClinGen allele CA549883569.